The following is an entry in ClinVar:

NM_001171613.2(PREPL):c.1000G>T (p.Ala334Ser)

Gene: PREPL (prolyl endopeptidase like; minus strand). Cytogenetic location: 2p21.
Variant type: single nucleotide variant.
Coding change: c.1000G>T on transcript NM_001171613.2 (MANE Select); coding-DNA position 1000, G replaced by T.
Protein change: p.Ala334Ser; replaces alanine 334 with serine.
Molecular consequence: missense variant. On other transcripts: intron variant (1).
Genome position (GRCh38, 1-based): chr2:44,332,545, C>A on the plus strand (G>T on the coding strand, the complement: PREPL is on the minus strand). VCF-style: chr2-44332545-C-A. GRCh37 (hg19) VCF-style: chr2-44559684-C-A.
Other names: c.1267G>T, p.Ala423Ser (NM_006036.4, NM_001171603.1, NM_001171606.2 and 2 more transcripts); c.1081G>T, p.Ala361Ser (NM_001042385.2); c.1000G>T, p.Ala334Ser (NM_001171617.1, NM_001374277.1); c.1156-3433G>T (NM_001042386.2); short protein forms A423S, A334S, A361S.
Identifiers: ClinVar variation 598023 (VCV000598023.10), dbSNP rs778521381, ClinGen allele CA1641278.
Genomic context (GRCh38, chr2:44,332,545, plus strand): 5'-CGCGACTAGTCTTTGTGATTGGGTCTTCATGCCCAGTTTCCTCAAACAGTTTGCCTTCTG[C>A]AAACTTGTATGTGTAATATTTTGGGGGACGTATTGGAGAGCAAAGTTGAAAGGGGCAGTT-3'
Protein context (NP_001165084.1, residues 324-344): RPPKYYTYKF[Ala334Ser]EGKLFEETGH

ClinVar aggregate classification (germline): Uncertain significance. Review status: criteria provided, multiple submitters, no conflicts (2 of 4 stars). 2 submissions from 2 submitters: Uncertain significance (2). Last evaluated 2022-04-09.

Conditions:
Myasthenic syndrome, congenital, 22 (CMS22). Also called: PREPL DEFICIENCY. Identifiers: MedGen C4479088, MONDO:0044299, OMIM 616224.

Allele frequency attached by ClinVar (database versions not stated): TOPMed 0.00001; gnomAD 0.00001.
gnomAD v4.1: 42 of 1,613,924 alleles (0.0026%); highest among the groups gnomAD compares: Non-Finnish European, 0.0032%; no homozygotes.

Submissions (2):

Labcorp Genetics (formerly Invitae), Labcorp
Classification: Uncertain significance for Myasthenic syndrome, congenital, 22. Last evaluated: 2022-04-09. Review status: criteria provided, single submitter. Criteria: Invitae Variant Classification Sherloc (09022015). Collection method: clinical testing. Allele origin: germline.
Comment: This sequence change replaces alanine, which is neutral and non-polar, with serine, which is neutral and polar, at codon 423 of the PREPL protein (p.Ala423Ser). This variant is present in population databases (rs778521381, gnomAD 0.006%). This variant has not been reported in the literature in individuals affected with PREPL-related conditions. ClinVar contains an entry for this variant (Variation ID: 598023). Algorithms developed to predict the effect of missense changes on protein structure and function output the following: SIFT: "Tolerated"; PolyPhen-2: "Benign"; Align-GVGD: "Class C0". The serine amino acid residue is found in multiple mammalian species, which suggests that this missense change does not adversely affect protein function. In summary, the available evidence is currently insufficient to determine the role of this variant in disease. Therefore, it has been classified as a Variant of Uncertain Significance.

Eurofins Ntd Llc (ga)
Classification: Uncertain significance. Last evaluated: 2018-07-20. Review status: criteria provided, single submitter. Criteria: EGL ClinVar v180209 classification definitions. Collection method: clinical testing. Allele origin: germline. Observed: 3 variant alleles, 3 heterozygotes.